The following is an entry in ClinVar:

ClinVar aggregate classification (germline): Likely benign. Review status: criteria provided, multiple submitters, no conflicts (2 of 4 stars). 2 submissions from 2 submitters: Likely benign (2). Last evaluated 2026-06-13.

Conditions:
ATR-related disorder. Also called: ATR-related condition.

Allele frequency attached by ClinVar (database versions not stated): gnomAD exomes below 0.00001; gnomAD 0.00003 and 0.00004; TOPMed 0.00007.
gnomAD v4.1: 7 of 1,612,400 alleles (0.00043%); highest among the groups gnomAD compares: Admixed American, 0.0083%; no homozygotes.

Submissions (2):

PreventionGenetics, part of Exact Sciences
Classification: Likely benign for ATR-related condition. Last evaluated: 2026-06-13. Review status: criteria provided, single submitter. Criteria: ACMG Guidelines, 2015. Collection method: clinical testing. Allele origin: germline.
Comment: This variant is classified as likely benign based on ACMG/AMP sequence variant interpretation guidelines (Richards et al. 2015 PMID: 25741868, with internal and published modifications).

Labcorp Genetics (formerly Invitae), Labcorp
Classification: Likely benign. Last evaluated: 2025-04-02. Review status: criteria provided, single submitter. Criteria: Invitae Variant Classification Sherloc (09022015). Collection method: clinical testing. Allele origin: germline.

NM_001184.4(ATR):c.152-10A>T

Gene: ATR (ATR checkpoint kinase; minus strand). Cytogenetic location: 3q23.
Variant type: single nucleotide variant.
Coding change: c.152-10A>T on transcript NM_001184.4 (MANE Select); 10 bases into the intron before coding-DNA position 152, A replaced by T.
Molecular consequence: intron variant.
Genome position (GRCh38, 1-based): chr3:142,566,271, T>A on the plus strand (A>T on the coding strand, the complement: ATR is on the minus strand). VCF-style: chr3-142566271-T-A. GRCh37 (hg19) VCF-style: chr3-142285113-T-A.
Other names: c.152-10A>T (NM_001354579.2).
Identifiers: ClinVar variation 701849 (VCV000701849.9), dbSNP rs979913332, ClinGen allele CA84758197.
Genomic context (GRCh38, chr3:142,566,271, plus strand): 5'-ACATCACGGAGGTTGGCTGAGAGTCAGTTTTCTTTACAAGTTCTACAGCAACTAAAACAA[T>A]AAGATTCATTTTAAAGAGTCATGACAAATTAAACAATGGTCCTTTTGTTAAGAAACCAGA-3'